The following is an entry in ClinVar:

ClinVar aggregate classification (germline): Likely benign (0 of 4 stars; one submission).

Conditions:
PI4KA-related disorder. Also called: PI4KA-related condition; PI4KA-related disorders. Identifiers: MedGen CN378147, MONDO:1040012.

gnomAD v4.1: 64 of 1,613,936 alleles (0.004%); highest among the groups gnomAD compares: Middle Eastern, 0.017%; no homozygotes.

Submission:

PreventionGenetics, part of Exact Sciences
Classification: Likely benign for PI4KA-related condition. Last evaluated: 2024-03-29. Review status: no assertion criteria provided. Collection method: clinical testing. Allele origin: germline.
Comment: This variant is classified as likely benign based on ACMG/AMP sequence variant interpretation guidelines (Richards et al. 2015 PMID: 25741868, with internal and published modifications).

NM_058004.4(PI4KA):c.2856G>A (p.Ala952=)

Gene: PI4KA (phosphatidylinositol 4-kinase alpha; minus strand). Cytogenetic location: 22q11.21.
Variant type: single nucleotide variant.
Coding change: c.2856G>A on transcript NM_058004.4 (MANE Select); coding-DNA position 2856, G replaced by A.
Protein change: p.Ala952=; no amino-acid change (alanine 952 retained).
Molecular consequence: synonymous variant.
Genome position (GRCh38, 1-based): chr22:20,753,116, C>T on the plus strand (G>A on the coding strand, the complement: PI4KA is on the minus strand). VCF-style: chr22-20753116-C-T. GRCh37 (hg19) VCF-style: chr22-21107404-C-T.
Other names: c.2856G>A, p.Ala952= (NM_001362862.2); c.2790G>A, p.Ala930= (NM_001362863.2).
Identifiers: ClinVar variation 3358584 (VCV003358584.1).